The following is an entry in ClinVar:

ClinVar aggregate classification (germline): Pathogenic (1 of 4 stars; one submission).

Submission:

GeneDx
Classification: Pathogenic. Last evaluated: 2023-08-18. Review status: criteria provided, single submitter. Criteria: GeneDx Variant Classification Process June 2021. Collection method: clinical testing. Allele origin: germline. Affected: yes.
Comment: Nonsense variant predicted to result in protein truncation or nonsense mediated decay in a gene for which loss of function is a known mechanism of disease; Not observed at significant frequency in large population cohorts (gnomAD); This variant is associated with the following publications: (PMID: 23913813)

NM_003482.4(KMT2D):c.11962C>T (p.Gln3988Ter)

Gene: KMT2D (lysine methyltransferase 2D; minus strand). Cytogenetic location: 12q13.12.
Variant type: single nucleotide variant.
Coding change: c.11962C>T on transcript NM_003482.4 (MANE Select); coding-DNA position 11962, C replaced by T.
Protein change: p.Gln3988Ter; replaces glutamine 3988 with a stop codon.
Molecular consequence: nonsense.
Genome position (GRCh38, 1-based): chr12:49,032,743, G>A on the plus strand (C>T on the coding strand, the complement: KMT2D is on the minus strand). VCF-style: chr12-49032743-G-A. GRCh37 (hg19) VCF-style: chr12-49426526-G-A.
Other names: short protein forms Q3988*.
Identifiers: ClinVar variation 2576804 (VCV002576804.1), dbSNP rs2498359499, ClinGen allele CA384713768.
Genomic context (GRCh38, chr12:49,032,743, plus strand): 5'-GTTGAAGAGGCTTTGCTGGCATGCCAGGGCCAAGTGCCACTTGCTGCTGCTGTTGTTGCT[G>A]AGGAGACAGTAAAGTTCGACTCTGGTTTAAAAGGCCCATCTGCTGCTGTTGCTGCTGCTG-3'